The following is an entry in ClinVar:

NM_006231.4(POLE):c.1360-10C>T

Gene: POLE (DNA polymerase epsilon, catalytic subunit; minus strand). Cytogenetic location: 12q24.33.
Variant type: single nucleotide variant.
Coding change: c.1360-10C>T on transcript NM_006231.4 (MANE Select); 10 bases into the intron before coding-DNA position 1360, C replaced by T.
Molecular consequence: intron variant.
Genome position (GRCh38, 1-based): chr12:132,673,287, G>A on the plus strand (C>T on the coding strand, the complement: POLE is on the minus strand). VCF-style: chr12-132673287-G-A. GRCh37 (hg19) VCF-style: chr12-133249873-G-A.
Identifiers: ClinVar variation 3904185 (VCV003904185.2).

ClinVar aggregate classification (germline): Likely benign. Review status: criteria provided, multiple submitters, no conflicts (2 of 4 stars). 2 submissions from 2 submitters: Likely benign (2). Last evaluated 2025-10-07.

Conditions:
Colorectal cancer, susceptibility to, 12 (CRCS12). Also called: COLORECTAL CANCER, SUSCEPTIBILITY TO, ON CHROMOSOME 12q24. Identifiers: Orphanet 220460, MedGen C3554460, MONDO:0014038, OMIM 615083.

Submissions (2):

Labcorp Genetics (formerly Invitae), Labcorp
Classification: Likely benign. Last evaluated: 2025-10-07. Review status: criteria provided, single submitter. Criteria: Invitae Variant Classification Sherloc (09022015). Collection method: clinical testing. Allele origin: germline.

Myriad Genetics, Inc.
Classification: Likely benign for Colorectal cancer, susceptibility to, 12. Last evaluated: 2025-02-11. Review status: criteria provided, single submitter. Criteria: Myriad Autosomal Dominant, Autosomal Recessive and X-Linked Classification Criteria (2023). Collection method: clinical testing. Allele origin: unknown.
Comment: This variant is considered likely benign. This variant is intronic and is not expected to impact mRNA splicing.